The following is an entry in ClinVar:

ClinVar aggregate classification (germline): Uncertain significance (1 of 4 stars; one submission).

gnomAD v4.1: 1 of 1,613,026 alleles (0.000062%); no homozygotes.

Submission:

GeneDx
Classification: Uncertain significance. Last evaluated: 2024-07-29. Review status: criteria provided, single submitter. Criteria: GeneDx Variant Classification Process June 2021. Collection method: clinical testing. Allele origin: germline. Affected: yes.
Comment: Not observed at significant frequency in large population cohorts (gnomAD); Has not been previously published as pathogenic or benign to our knowledge; In silico analysis suggests this variant may impact gene splicing. In the absence of RNA/functional studies, the actual effect of this sequence change is unknown.

NM_024757.5(EHMT1):c.372A>G (p.Gly124=)

Gene: EHMT1 (euchromatic histone lysine methyltransferase 1; plus strand). Cytogenetic location: 9q34.3.
Variant type: single nucleotide variant.
Coding change: c.372A>G on transcript NM_024757.5 (MANE Select); coding-DNA position 372, A replaced by G.
Protein change: p.Gly124=; no amino-acid change (glycine 124 retained).
Molecular consequence: synonymous variant.
Genome position (GRCh38, 1-based): chr9:137,716,912, A>G. VCF-style: chr9-137716912-A-G. GRCh37 (hg19) VCF-style: chr9-140611364-A-G.
Other names: c.372A>G, p.Gly124= (NM_001145527.2, NM_001354263.2, NM_001354611.2); c.279A>G, p.Gly93= (NM_001354259.2, NM_001354612.2).
Identifiers: ClinVar variation 3602394 (VCV003602394.1).